The following is an entry in ClinVar:

NM_004333.6(BRAF):c.60C>G (p.Asn20Lys)

Gene: BRAF (B-Raf proto-oncogene, serine/threonine kinase; minus strand). Cytogenetic location: 7q34.
Variant type: single nucleotide variant.
Coding change: c.60C>G on transcript NM_004333.6 (MANE Select); coding-DNA position 60, C replaced by G.
Protein change: p.Asn20Lys; replaces asparagine 20 with lysine.
Molecular consequence: missense variant.
Genome position (GRCh38, 1-based): chr7:140,924,644, G>C on the plus strand (C>G on the coding strand, the complement: BRAF is on the minus strand). VCF-style: chr7-140924644-G-C. GRCh37 (hg19) VCF-style: chr7-140624444-G-C.
Other names: c.60C>G, p.Asn20Lys (NM_001378471.1, NM_001378475.1, NM_001378474.1 and 7 more transcripts); short protein forms N20K.
Identifiers: ClinVar variation 3636775 (VCV003636775.2).
Genomic context (GRCh38, chr7:140,924,644, plus strand): 5'-GTCCGCAGCCGAAGAGGCCGCGGCGCCGGCGCCGGCGCCGGCCTCGGGCTCCATGTCCCC[G>C]TTGAACAGAGCCTGGCCCGGCTCCGCGCCGCCACCACCGCCACCGCTCAGCGCCGCCATC-3'
Protein context (NP_004324.2, residues 10-30): GGAEPGQALF[Asn20Lys]GDMEPEAGAG

ClinVar aggregate classification (germline): Uncertain significance (1 of 4 stars; one submission).

Conditions:
RASopathy. Also called: Noonan spectrum disorder; rasopathies. Identifiers: Orphanet 536391, MedGen C5555857, MONDO:0021060.

Submission:

Labcorp Genetics (formerly Invitae), Labcorp
Classification: Uncertain significance for RASopathy. Last evaluated: 2024-05-20. Review status: criteria provided, single submitter. Criteria: Invitae Variant Classification Sherloc (09022015). Collection method: clinical testing. Allele origin: germline.
Comment: This sequence change replaces asparagine, which is neutral and polar, with lysine, which is basic and polar, at codon 20 of the BRAF protein (p.Asn20Lys). This variant is not present in population databases (gnomAD no frequency). This variant has not been reported in the literature in individuals affected with BRAF-related conditions. Advanced modeling of protein sequence and biophysical properties (such as structural, functional, and spatial information, amino acid conservation, physicochemical variation, residue mobility, and thermodynamic stability) performed at Invitae indicates that this missense variant is expected to disrupt BRAF protein function with a positive predictive value of 95%. In summary, the available evidence is currently insufficient to determine the role of this variant in disease. Therefore, it has been classified as a Variant of Uncertain Significance.